The following is an entry in ClinVar:

NM_000018.4(ACADVL):c.1445A>G (p.Lys482Arg)

Gene: ACADVL (acyl-CoA dehydrogenase very long chain; plus strand). Cytogenetic location: 17p13.1.
Variant type: single nucleotide variant.
Coding change: c.1445A>G on transcript NM_000018.4 (MANE Select); coding-DNA position 1445, A replaced by G.
Protein change: p.Lys482Arg; replaces lysine 482 with arginine.
Molecular consequence: missense variant.
Genome position (GRCh38, 1-based): chr17:7,224,156, A>G. VCF-style: chr17-7224156-A-G. GRCh37 (hg19) VCF-style: chr17-7127475-A-G.
Other names: c.1379A>G, p.Lys460Arg (NM_001033859.3); c.1514A>G, p.Lys505Arg (NM_001270447.2); c.1217A>G, p.Lys406Arg (NM_001270448.2); short protein forms K505R, K406R, K460R, K482R.
Identifiers: ClinVar variation 1370817 (VCV001370817.8), dbSNP rs2142986762, ClinGen allele CA397725143.
Genomic context (GRCh38, chr17:7,224,156, plus strand): 5'-GAGGTGGGGAGGACAGTGAGTCCTGACTGCTGGACCCTCTTCCCCCATAGGACAAAGGAA[A>G]GGAGCTCTCTGGGCTTGGCAGTGCTCTAAAGAATCCCTTTGGGAATGCTGGCCTCCTGCT-3'
Protein context (NP_000009.1, residues 472-492): VALQGCMDKG[Lys482Arg]ELSGLGSALK

ClinVar aggregate classification (germline): Uncertain significance (1 of 4 stars; one submission).

Conditions:
Very long chain acyl-CoA dehydrogenase deficiency (ACADVLD). Also called: Very Long-Chain Acyl-Coenzyme A Dehydrogenase Deficiency; VLCAD Deficiency. Identifiers: Orphanet 26793, MedGen C3887523, MONDO:0008723, OMIM 201475.

Submission:

Labcorp Genetics (formerly Invitae), Labcorp
Classification: Uncertain significance for Very long chain acyl-CoA dehydrogenase deficiency. Last evaluated: 2021-02-08. Review status: criteria provided, single submitter. Criteria: Invitae Variant Classification Sherloc (09022015). Collection method: clinical testing. Allele origin: germline.
Comment: In summary, the available evidence is currently insufficient to determine the role of this variant in disease. Therefore, it has been classified as a Variant of Uncertain Significance. Algorithms developed to predict the effect of missense changes on protein structure and function (SIFT, PolyPhen-2, Align-GVGD) all suggest that this variant is likely to be tolerated, but these predictions have not been confirmed by published functional studies and their clinical significance is uncertain. This variant has not been reported in the literature in individuals with ACADVL-related conditions. This variant is not present in population databases (ExAC no frequency). This sequence change replaces lysine with arginine at codon 482 of the ACADVL protein (p.Lys482Arg). The lysine residue is highly conserved and there is a small physicochemical difference between lysine and arginine.